The following is an entry in ClinVar:

NM_001873.4(CPE):c.791-4C>T

Gene: CPE (carboxypeptidase E; plus strand). Cytogenetic location: 4q32.3.
Variant type: single nucleotide variant.
Coding change: c.791-4C>T on transcript NM_001873.4 (MANE Select); 4 bases into the intron before coding-DNA position 791, C replaced by T.
Molecular consequence: intron variant.
Genome position (GRCh38, 1-based): chr4:165,484,418, C>T. VCF-style: chr4-165484418-C-T. GRCh37 (hg19) VCF-style: chr4-166405570-C-T.
Identifiers: ClinVar variation 3354015 (VCV003354015.1).

ClinVar aggregate classification (germline): Likely benign (0 of 4 stars; one submission).

Conditions:
CPE-related disorder. Also called: CPE-related condition.

gnomAD v4.1: 24 of 1,612,106 alleles (0.0015%); highest among the groups gnomAD compares: Non-Finnish European, 0.002%; no homozygotes.

Submission:

PreventionGenetics, part of Exact Sciences
Classification: Likely benign for CPE-related condition. Last evaluated: 2023-05-12. Review status: no assertion criteria provided. Collection method: clinical testing. Allele origin: germline.
Comment: This variant is classified as likely benign based on ACMG/AMP sequence variant interpretation guidelines (Richards et al. 2015 PMID: 25741868, with internal and published modifications).